The following is an entry in ClinVar:

NM_014822.4(SEC24D):c.457C>T (p.Gln153Ter)

Gene: SEC24D (SEC24 homolog D, COPII component; minus strand). Cytogenetic location: 4q26.
Variant type: single nucleotide variant.
Coding change: c.457C>T on transcript NM_014822.4 (MANE Select); coding-DNA position 457, C replaced by T.
Protein change: p.Gln153Ter; replaces glutamine 153 with a stop codon.
Molecular consequence: nonsense.
Genome position (GRCh38, 1-based): chr4:118,815,667, G>A on the plus strand (C>T on the coding strand, the complement: SEC24D is on the minus strand). VCF-style: chr4-118815667-G-A. GRCh37 (hg19) VCF-style: chr4-119736822-G-A.
Other names: c.457C>T, p.Gln153Ter (NM_001318066.2); short protein forms Q153*.
Identifiers: ClinVar variation 2081044 (VCV002081044.4), dbSNP rs2530246729, ClinGen allele CA358015790.
Genomic context (GRCh38, chr4:118,815,667, plus strand): 5'-GTGGAAGAACTTGAGATCCAGGCTGCAAAATGGAAGGCTGTGGAGGTCGTGGAGGAGTCT[G>A]CAATGATGTGGCTGACAGAGGGCCAGGGGGTCCCTGGCTTGGAGGAGCCATGCCTGAACC-3'

ClinVar aggregate classification (germline): Pathogenic (1 of 4 stars; one submission).

Submission:

Labcorp Genetics (formerly Invitae), Labcorp
Classification: Pathogenic. Last evaluated: 2024-05-06. Review status: criteria provided, single submitter. Criteria: Invitae Variant Classification Sherloc (09022015). Collection method: clinical testing. Allele origin: germline.
Comment: This sequence change creates a premature translational stop signal (p.Gln153*) in the SEC24D gene. It is expected to result in an absent or disrupted protein product. Loss-of-function variants in SEC24D are known to be pathogenic (PMID: 25683121, 30462379). This variant is not present in population databases (gnomAD no frequency). This variant has not been reported in the literature in individuals affected with SEC24D-related conditions. ClinVar contains an entry for this variant (Variation ID: 2081044). For these reasons, this variant has been classified as Pathogenic.

Literature cited by the submitters: PubMed 25683121; PubMed 30462379.